The following is an entry in ClinVar:

ClinVar aggregate classification (germline): Likely benign. Review status: criteria provided, multiple submitters, no conflicts (2 of 4 stars). 2 submissions from 2 submitters: Likely benign (2). Last evaluated 2025-12-14.

Allele frequency attached by ClinVar (database versions not stated): TOPMed 0.00007; gnomAD 0.00010.
gnomAD v4.1: 20 of 1,613,594 alleles (0.0012%); highest among the groups gnomAD compares: African/African-American, 0.025%; no homozygotes.

Submissions (2):

Mayo Clinic Laboratories, Mayo Clinic
Classification: Likely benign. Last evaluated: 2025-12-14. Review status: criteria provided, single submitter. Criteria: ACMG Guidelines, 2015. Collection method: clinical testing. Allele origin: germline. Observed: 1 variant allele.
Comment: BP4, BP7

Labcorp Genetics (formerly Invitae), Labcorp
Classification: Likely benign. Last evaluated: 2024-09-11. Review status: criteria provided, single submitter. Criteria: Invitae Variant Classification Sherloc (09022015). Collection method: clinical testing. Allele origin: germline.

NM_000789.4(ACE):c.456C>G (p.Ser152=)

Gene: ACE (angiotensin I converting enzyme; plus strand). Cytogenetic location: 17q23.3.
Variant type: single nucleotide variant.
Coding change: c.456C>G on transcript NM_000789.4 (MANE Select); coding-DNA position 456, C replaced by G.
Protein change: p.Ser152=; no amino-acid change (serine 152 retained).
Molecular consequence: synonymous variant. On other transcripts: intron variant (2).
Genome position (GRCh38, 1-based): chr17:63,479,045, C>G. VCF-style: chr17-63479045-C-G. GRCh37 (hg19) VCF-style: chr17-61556406-C-G.
Other names: p.Ser152=; c.-198+947C>G (NM_001382701.1); c.182+947C>G (NM_001382700.1).
Identifiers: ClinVar variation 1984214 (VCV001984214.5), dbSNP rs751702761, ClinGen allele CA8699077.